The following is an entry in ClinVar:

ClinVar aggregate classification (germline): Uncertain significance (1 of 4 stars; one submission).

Allele frequency attached by ClinVar (database versions not stated): gnomAD 0.00001.
gnomAD v4.1: 2 of 1,613,966 alleles (0.00012%); highest among the groups gnomAD compares: African/African-American, 0.0013%; no homozygotes.

Submission:

Labcorp Genetics (formerly Invitae), Labcorp
Classification: Uncertain significance. Last evaluated: 2021-12-08. Review status: criteria provided, single submitter. Criteria: Invitae Variant Classification Sherloc (09022015). Collection method: clinical testing. Allele origin: germline.
Comment: This sequence change replaces aspartic acid, which is acidic and polar, with tyrosine, which is neutral and polar, at codon 99 of the SPP2 protein (p.Asp99Tyr). This variant is not present in population databases (gnomAD no frequency). This variant has not been reported in the literature in individuals affected with SPP2-related conditions. Algorithms developed to predict the effect of missense changes on protein structure and function (SIFT, PolyPhen-2, Align-GVGD) all suggest that this variant is likely to be disruptive. In summary, the available evidence is currently insufficient to determine the role of this variant in disease. Therefore, it has been classified as a Variant of Uncertain Significance.

NM_006944.3(SPP2):c.295G>T (p.Asp99Tyr)

Gene: SPP2 (secreted phosphoprotein 2; plus strand). Cytogenetic location: 2q37.1.
Variant type: single nucleotide variant.
Coding change: c.295G>T on transcript NM_006944.3 (MANE Select); coding-DNA position 295, G replaced by T.
Protein change: p.Asp99Tyr; replaces aspartic acid 99 with tyrosine.
Molecular consequence: missense variant.
Genome position (GRCh38, 1-based): chr2:234,058,920, G>T. VCF-style: chr2-234058920-G-T. GRCh37 (hg19) VCF-style: chr2-234967564-G-T.
Other names: short protein forms D99Y.
Identifiers: ClinVar variation 1960518 (VCV001960518.5), dbSNP rs1293713918, ClinGen allele CA351101983.